The following is an entry in ClinVar:

NM_182746.3(MCM4):c.2200C>A (p.Leu734Ile)

Gene: MCM4 (minichromosome maintenance complex component 4; plus strand). Cytogenetic location: 8q11.21.
Variant type: single nucleotide variant.
Coding change: c.2200C>A on transcript NM_182746.3 (MANE Select); coding-DNA position 2200, C replaced by A.
Protein change: p.Leu734Ile; replaces leucine 734 with isoleucine.
Molecular consequence: missense variant.
Genome position (GRCh38, 1-based): chr8:47,974,797, C>A. VCF-style: chr8-47974797-C-A. GRCh37 (hg19) VCF-style: chr8-48887357-C-A.
Other names: c.2200C>A, p.Leu734Ile (NM_005914.4); short protein forms L734I.
Identifiers: ClinVar variation 1382391 (VCV001382391.6), dbSNP rs1223269906, ClinGen allele CA371155716.
Genomic context (GRCh38, chr8:47,974,797, plus strand): 5'-TATGTAGACATGAGGAAGATTGGCAGTAGCCGGGGAATGGTTTCTGCATACCCTCGACAG[C>A]TAGAGTCATTAATCCGCTTAGCAGAAGCCCATGCTAAAGTAAGATTGTCTAACAAAGTTG-3'
Protein context (NP_877423.1, residues 724-744): RGMVSAYPRQ[Leu734Ile]ESLIRLAEAH

ClinVar aggregate classification (germline): Uncertain significance (1 of 4 stars; one submission).

Allele frequency attached by ClinVar (database versions not stated): TOPMed below 0.00001; gnomAD 0.00001; gnomAD exomes 0.00001.
gnomAD v4.1: 4 of 1,614,082 alleles (0.00025%); highest among the groups gnomAD compares: Admixed American, 0.0067%; no homozygotes.

Submission:

Labcorp Genetics (formerly Invitae), Labcorp
Classification: Uncertain significance. Last evaluated: 2023-10-18. Review status: criteria provided, single submitter. Criteria: Invitae Variant Classification Sherloc (09022015). Collection method: clinical testing. Allele origin: germline.
Comment: This sequence change replaces leucine, which is neutral and non-polar, with isoleucine, which is neutral and non-polar, at codon 734 of the MCM4 protein (p.Leu734Ile). This variant is present in population databases (no rsID available, gnomAD 0.006%). This variant has not been reported in the literature in individuals affected with MCM4-related conditions. ClinVar contains an entry for this variant (Variation ID: 1382391). Advanced modeling of protein sequence and biophysical properties (such as structural, functional, and spatial information, amino acid conservation, physicochemical variation, residue mobility, and thermodynamic stability) performed at Invitae indicates that this missense variant is expected to disrupt MCM4 protein function. In summary, the available evidence is currently insufficient to determine the role of this variant in disease. Therefore, it has been classified as a Variant of Uncertain Significance.